The following is an entry in ClinVar:

NM_015425.6(POLR1A):c.1106C>G (p.Ala369Gly)

Gene: POLR1A (RNA polymerase I subunit A; minus strand). Cytogenetic location: 2p11.2.
Variant type: single nucleotide variant.
Coding change: c.1106C>G on transcript NM_015425.6 (MANE Select); coding-DNA position 1106, C replaced by G.
Protein change: p.Ala369Gly; replaces alanine 369 with glycine.
Molecular consequence: missense variant.
Genome position (GRCh38, 1-based): chr2:86,078,265, G>C on the plus strand (C>G on the coding strand, the complement: POLR1A is on the minus strand). VCF-style: chr2-86078265-G-C. GRCh37 (hg19) VCF-style: chr2-86305388-G-C.
Other names: short protein forms A369G.
Identifiers: ClinVar variation 2084670 (VCV002084670.8), dbSNP rs1368208067, ClinGen allele CA347552736.

ClinVar aggregate classification (germline): Uncertain significance. Review status: criteria provided, multiple submitters, no conflicts (2 of 4 stars). 3 submissions from 3 submitters: Uncertain significance (3). Last evaluated 2026-01-14.

Conditions:
Acrofacial dysostosis Cincinnati type. Identifiers: Orphanet 1200, MedGen C4225317, MONDO:0014651, OMIM 616462.

gnomAD v4.1: 9 of 1,574,144 alleles (0.00057%); highest among the groups gnomAD compares: Admixed American, 0.019%; no homozygotes.

Submissions (3):

Labcorp Genetics (formerly Invitae), Labcorp
Classification: Uncertain significance. Last evaluated: 2026-01-14. Review status: criteria provided, single submitter. Criteria: Invitae Variant Classification Sherloc (09022015). Collection method: clinical testing. Allele origin: germline.
Comment: This sequence change replaces alanine, which is neutral and non-polar, with glycine, which is neutral and non-polar, at codon 369 of the POLR1A protein (p.Ala369Gly). This variant is present in population databases (no rsID available, gnomAD 0.02%). This variant has not been reported in the literature in individuals affected with POLR1A-related conditions. ClinVar contains an entry for this variant (Variation ID: 2084670). Invitae Evidence Modeling of protein sequence and biophysical properties (such as structural, functional, and spatial information, amino acid conservation, physicochemical variation, residue mobility, and thermodynamic stability) indicates that this missense variant is not expected to disrupt POLR1A protein function with a negative predictive value of 80%. In summary, the available evidence is currently insufficient to determine the role of this variant in disease. Therefore, it has been classified as a Variant of Uncertain Significance.

Women's Health and Genetics/Laboratory Corporation of America, LabCorp
Classification: Uncertain significance. Last evaluated: 2024-08-22. Review status: criteria provided, single submitter. Criteria: LabCorp Variant Classification Summary - May 2015. Collection method: clinical testing. Allele origin: germline.
Comment: Variant summary: POLR1A c.1106C>G (p.Ala369Gly) results in a non-conservative amino acid change located in the RNA polymerase, N-terminal domain (IPR006592) of the encoded protein sequence. Four of five in-silico tools predict a benign effect of the variant on protein function. The variant allele was found at a frequency of 1.8e-05 in 217932 control chromosomes (gnomAD). The available data on variant occurrences in the general population are insufficient to allow any conclusion about variant significance. To our knowledge, no occurrence of c.1106C>G in individuals affected with Acrofacial Dysostosis Cincinnati Type and no experimental evidence demonstrating its impact on protein function have been reported. ClinVar contains an entry for this variant (Variation ID: 2084670). Based on the evidence outlined above, the variant was classified as uncertain significance.

Revvity Omics, Revvity
Classification: Uncertain significance for Acrofacial dysostosis Cincinnati type. Last evaluated: 2021-11-28. Review status: criteria provided, single submitter. Criteria: ACMG Guidelines, 2015. Collection method: clinical testing. Allele origin: germline.